The following is an entry in ClinVar:

NM_001371727.1(GABRB2):c.1411G>A (p.Ala471Thr)

Gene: GABRB2 (gamma-aminobutyric acid type A receptor subunit beta2; minus strand). Cytogenetic location: 5q34.
Variant type: single nucleotide variant.
Coding change: c.1411G>A on transcript NM_001371727.1 (MANE Select); coding-DNA position 1411, G replaced by A.
Protein change: p.Ala471Thr; replaces alanine 471 with threonine.
Molecular consequence: missense variant.
Genome position (GRCh38, 1-based): chr5:161,294,209, C>T on the plus strand (G>A on the coding strand, the complement: GABRB2 is on the minus strand). VCF-style: chr5-161294209-C-T. GRCh37 (hg19) VCF-style: chr5-160721216-C-T.
Other names: c.1297G>A, p.Ala433Thr (NM_000813.3); c.1411G>A, p.Ala471Thr (NM_021911.3); short protein forms A433T, A471T.
Identifiers: ClinVar variation 968953 (VCV000968953.8), dbSNP rs140153076, ClinGen allele CA3543321.

ClinVar aggregate classification (germline): Uncertain significance (1 of 4 stars; one submission).

Conditions:
Intellectual disability. Also called: intellectual disabilities; Intellectual developmental disorder; Intellectual functioning disability. Identifiers: MedGen C3714756, MeSH D008607, MONDO:0001071, HP:0001249.

Allele frequency attached by ClinVar (database versions not stated): ExAC 0.00004; TOPMed below 0.00001; gnomAD exomes 0.00002 and 0.00001; ESP Exome Variant Server 0.00008.
gnomAD v4.1: 13 of 1,614,112 alleles (0.00081%); highest among the groups gnomAD compares: Admixed American, 0.0033%; no homozygotes.

Submission:

Labcorp Genetics (formerly Invitae), Labcorp
Classification: Uncertain significance for Intellectual disability. Last evaluated: 2022-08-23. Review status: criteria provided, single submitter. Criteria: Invitae Variant Classification Sherloc (09022015). Collection method: clinical testing. Allele origin: germline.
Comment: In summary, the available evidence is currently insufficient to determine the role of this variant in disease. Therefore, it has been classified as a Variant of Uncertain Significance. Advanced modeling of protein sequence and biophysical properties (such as structural, functional, and spatial information, amino acid conservation, physicochemical variation, residue mobility, and thermodynamic stability) performed at Invitae indicates that this missense variant is not expected to disrupt GABRB2 protein function. ClinVar contains an entry for this variant (Variation ID: 968953). This variant has not been reported in the literature in individuals affected with GABRB2-related conditions. This variant is present in population databases (rs140153076, gnomAD 0.007%). This sequence change replaces alanine, which is neutral and non-polar, with threonine, which is neutral and polar, at codon 471 of the GABRB2 protein (p.Ala471Thr).